The following is an entry in ClinVar:

NC_000023.10:g.(?_154487519)_(154493777_?)dup

Gene: RAB39B (RAB39B, member RAS oncogene family; minus strand). Cytogenetic location: Xq28.
Variant type: Duplication.
Identifiers: ClinVar variation 4537284 (VCV004537284.1).

ClinVar aggregate classification (germline): Uncertain significance (1 of 4 stars; one submission).

Submission:

Women's Health and Genetics/Laboratory Corporation of America, LabCorp
Classification: Uncertain significance. Last evaluated: 2025-11-20. Review status: criteria provided, single submitter. Criteria: LabCorp Variant Classification Summary - May 2015. Collection method: clinical testing. Allele origin: germline.
Comment: Variant summary: The variant involves the duplication of exons 1-2 in the RAB39B gene. A presumed nomenclature of c.(?_-204)_(*2569_?)dup has been designated for the purposes of this classification. This duplication includes the entire coding sequence of the gene. As exact breakpoints are unknown, it may extend beyond the annotated region of the gene, to include other flanking genes. As the precise location of this event is unknown, it may be in tandem or it may be located elsewhere in the genome. The variant was absent in 15814 control chromosomes. The available data on variant occurrences in the general population are insufficient to allow any conclusion about variant significance. To our knowledge, no occurrence of c.(?_-204)_(*2569_?)dup in individuals affected with RAB39B-related conditions and no experimental evidence demonstrating its impact on protein function have been reported. ClinVar contains an entry for this variant (Variation ID: 2427468). Based on the evidence outlined above, the variant was classified as uncertain significance.